The following is an entry in ClinVar:

ClinVar aggregate classification (germline): Uncertain significance (1 of 4 stars; one submission).

Conditions:
Pulmonary fibrosis and/or bone marrow failure, Telomere-related, 3. Also called: PULMONARY FIBROSIS AND/OR BONE MARROW FAILURE SYNDROME, TELOMERE-RELATED, 3. Identifiers: Orphanet 2032, MedGen C4225346, MONDO:0014613, OMIM 616373.
Dyskeratosis congenita, autosomal recessive 5 (DKCB5). Identifiers: MedGen C3554656, MONDO:0014076, OMIM 615190.

gnomAD v4.1: 2 of 1,611,610 alleles (0.00012%); highest among the groups gnomAD compares: Non-Finnish European, 0.00017%; no homozygotes.

Submission:

Labcorp Genetics (formerly Invitae), Labcorp
Classification: Uncertain significance for Dyskeratosis congenita, autosomal recessive 5; Pulmonary fibrosis and/or bone marrow failure, Telomere-related, 3. Last evaluated: 2022-10-24. Review status: criteria provided, single submitter. Criteria: Invitae Variant Classification Sherloc (09022015). Collection method: clinical testing. Allele origin: germline.
Comment: In summary, the available evidence is currently insufficient to determine the role of this variant in disease. Therefore, it has been classified as a Variant of Uncertain Significance. Algorithms developed to predict the effect of missense changes on protein structure and function (SIFT, PolyPhen-2, Align-GVGD) all suggest that this variant is likely to be tolerated. This variant has not been reported in the literature in individuals affected with RTEL1-related conditions. This variant is not present in population databases (gnomAD no frequency). This sequence change replaces glutamine, which is neutral and polar, with glutamic acid, which is acidic and polar, at codon 419 of the RTEL1 protein (p.Gln419Glu).

NM_001283009.2(RTEL1):c.1255C>G (p.Gln419Glu)

Genes: RTEL1 (regulator of telomere elongation helicase 1; plus strand), RTEL1-TNFRSF6B (RTEL1-TNFRSF6B readthrough (NMD candidate); plus strand). Cytogenetic location: 20q13.33.
Variant type: single nucleotide variant.
Coding change: c.1255C>G on transcript NM_001283009.2 (MANE Select); coding-DNA position 1255, C replaced by G.
Protein change: p.Gln419Glu; replaces glutamine 419 with glutamic acid.
Molecular consequence: missense variant. On other transcripts: non-coding transcript variant (1).
Genome position (GRCh38, 1-based): chr20:63,685,586, C>G. VCF-style: chr20-63685586-C-G. GRCh37 (hg19) VCF-style: chr20-62316939-C-G.
Other names: c.586C>G, p.Gln196Glu (NM_001283010.1); c.1255C>G, p.Gln419Glu (NM_016434.4); c.1327C>G, p.Gln443Glu (NM_032957.5); short protein forms Q196E, Q443E, Q419E.
Identifiers: ClinVar variation 1978213 (VCV001978213.5), dbSNP rs2517096898, ClinGen allele CA409675805.